The following is an entry in ClinVar:

NM_001103.4(ACTN2):c.1515+15C>T

Gene: ACTN2 (actinin alpha 2; plus strand). Cytogenetic location: 1q43.
Variant type: single nucleotide variant.
Coding change: c.1515+15C>T on transcript NM_001103.4 (MANE Select); 15 bases into the intron after coding-DNA position 1515, C replaced by T.
Molecular consequence: intron variant.
Genome position (GRCh38, 1-based): chr1:236,747,790, C>T. VCF-style: chr1-236747790-C-T. GRCh37 (hg19) VCF-style: chr1-236911090-C-T.
Other names: c.891+15C>T (NM_001278344.2); c.1515+15C>T (NM_001278343.2).
Identifiers: ClinVar variation 43912 (VCV000043912.18), dbSNP rs368107695, ClinGen allele CA133142.

ClinVar aggregate classification (germline): Benign/Likely benign. Review status: criteria provided, multiple submitters, no conflicts (2 of 4 stars). 8 submissions from 8 submitters: Benign (4); Likely benign (2). 2 of the submissions do not count toward it. Last evaluated 2026-02-03.

Conditions:
Dilated cardiomyopathy 1AA (CMD1AA). Also called: CARDIOMYOPATHY, DILATED, 1AA, WITH OR WITHOUT LEFT VENTRICULAR NONCOMPACTION; CARDIOMYOPATHY, FAMILIAL HYPERTROPHIC, 23, WITH OR WITHOUT LEFT VENTRICULAR NONCOMPACTION; Cardiomyopathy, dilated, 1AA, with or without LVNC. Identifiers: Orphanet 154, MedGen C2677338, MONDO:0012808, OMIM 612158.
Myopathy, congenital, with structured cores and z-line abnormalities. Also called: MULTIPLE STRUCTURED CORE DISEASE; CONGENITAL MYOPATHY 8. Identifiers: MedGen C5231445, MONDO:0032852, OMIM 618654.
Myopathy, distal, 6, adult-onset, autosomal dominant. Identifiers: MedGen C5203349, MONDO:0032853, OMIM 618655.
Primary familial hypertrophic cardiomyopathy (HCM). Identifiers: Orphanet 99739, MedGen C0949658, MeSH D024741, MONDO:0024573. Inheritance: Various modes of inheritance.

Allele frequency attached by ClinVar (database versions not stated): gnomAD exomes 0.00039; ExAC 0.00056; 1000 Genomes Project 0.00100; gnomAD 0.00133 and 0.00147; 1000 Genomes Project 30x 0.00141; ESP Exome Variant Server 0.00146; TOPMed 0.00167.
gnomAD v4.1: 417 of 1,571,106 alleles (0.027%); highest among the groups gnomAD compares: African/African-American, 0.52%; no homozygotes.

Submissions (8):

Labcorp Genetics (formerly Invitae), Labcorp
Classification: Benign for Primary familial hypertrophic cardiomyopathy; Dilated cardiomyopathy 1AA. Last evaluated: 2026-02-03. Review status: criteria provided, single submitter. Criteria: Invitae Variant Classification Sherloc (09022015). Collection method: clinical testing. Allele origin: germline.

Blueprint Genetics
Classification: Likely benign. Last evaluated: 2024-09-23. Review status: criteria provided, single submitter. Criteria: ACMG Guidelines, 2015. Collection method: clinical testing. Allele origin: germline.

Fulgent Genetics
Classification: Likely benign for Dilated cardiomyopathy 1AA; Myopathy, congenital, with structured cores and z-line abnormalities; Myopathy, distal, 6, adult-onset, autosomal dominant. Last evaluated: 2021-08-12. Review status: criteria provided, single submitter. Criteria: ACMG Guidelines, 2015. Collection method: clinical testing. Allele origin: unknown.

Women's Health and Genetics/Laboratory Corporation of America, LabCorp
Classification: Benign. Last evaluated: 2021-03-15. Review status: criteria provided, single submitter. Criteria: LabCorp Variant Classification Summary - May 2015. Collection method: clinical testing. Allele origin: germline.
Comment: Variant summary: ACTN2 c.1515+15C>T alters a non-conserved nucleotide located close to a canonical splice site and therefore could affect mRNA splicing, leading to a significantly altered protein sequence. 4/4 computational tools predict no significant impact on normal splicing. However, these predictions have yet to be confirmed by functional studies. The variant allele was found at a frequency of 0.0005 in 277962 control chromosomes, predominantly at a frequency of 0.0053 within the African or African-American subpopulation in the gnomAD database. The observed variant frequency within African or African-American control individuals in the gnomAD database is approximately 212 fold of the estimated maximal expected allele frequency for a pathogenic variant in ACTN2 causing Cardiomyopathy phenotype (2.5e-05), strongly suggesting that the variant is a benign polymorphism found primarily in populations of African or African-American origin. To our knowledge, no occurrence of c.1515+15C>T in individuals affected with Cardiomyopathy and no experimental evidence demonstrating its impact on protein function have been reported. No clinical diagnostic laboratories have submitted clinical-significance assessments for this variant to ClinVar after 2014. Based on the evidence outlined above, the variant was classified as benign.

GeneDx
Classification: Benign. Last evaluated: 2013-12-31. Review status: criteria provided, single submitter. Criteria: GeneDx Variant Classification (06012015). Collection method: clinical testing. Allele origin: germline. Affected: yes.
Comment: This variant is considered likely benign or benign based on one or more of the following criteria: it is a conservative change, it occurs at a poorly conserved position in the protein, it is predicted to be benign by multiple in silico algorithms, and/or has population frequency not consistent with disease.

Laboratory for Molecular Medicine, Mass General Brigham Personalized Medicine
Classification: Benign. Last evaluated: 2012-03-19. Review status: criteria provided, single submitter. Criteria: LMM Criteria. Collection method: clinical testing. Allele origin: germline. Observed: 5 variant alleles.
Comment: c.1515+15C>T in Intron 13 of ACTN2: This variant is not expected to have clinica l significance because it is not located within the splice consensus sequence an d has been identified in 0.4% (15/3738) of African American chromosomes from a b road population by the NHLBI Exome Sequencing Project (. edu/EVS;).

Clinical Genetics DNA and cytogenetics Diagnostics Lab, Erasmus MC, Erasmus Medical Center
Classification: Benign. Review status: no assertion criteria provided. Collection method: clinical testing. Allele origin: germline. Affected: yes. Study: VKGL Data-share Consensus. Not counted in ClinVar's aggregate classification.

Clinical Genetics, Academic Medical Center
Classification: Benign. Review status: no assertion criteria provided. Collection method: clinical testing. Allele origin: germline. Affected: yes. Study: VKGL Data-share Consensus. Not counted in ClinVar's aggregate classification.